The following is an entry in ClinVar:

NM_000179.3(MSH6):c.3516_3517dup (p.Val1173fs)

Gene: MSH6 (mutS homolog 6; plus strand). Cytogenetic location: 2p16.3.
Variant type: Microsatellite.
Coding change: c.3516_3517dup on transcript NM_000179.3 (MANE Select); coding-DNA positions 3516 to 3517, 2 bases duplicated (AG; older notation c.3516_3517dupAG).
Protein change: p.Val1173fs; shifts the reading frame from valine 1173.
Molecular consequence: frameshift variant. On other transcripts: non-coding transcript variant (4).
Genome position (GRCh38, 1-based): chr2:47,804,987-47,804,988, AG duplicated; duplicating any 2 consecutive bases within chr2:47,804,985-47,804,988 gives the same sequence; the c. name uses the placement nearest the transcript's 3' end. VCF-style (leftmost placement, unchanged base first): chr2-47804984-T-TAG. GRCh37 (hg19) VCF-style: chr2-48032123-T-TAG.
Other names: c.1461_1462dup, p.Val488fs (NM_001407362.1); c.363_364dup, p.Val122fs (NM_001406832.1); c.3514_3515AG[3], p.Val1173Glufs (NM_000179.2); c.3126_3127dup, p.Val1043fs (NM_001281492.2); c.2610_2611dup, p.Val871fs (NM_001281493.2, NM_001281494.2, NM_001406811.1 and 6 more transcripts); c.3612_3613dup, p.Val1205fs (NM_001406795.1, NM_001406802.1); c.3516_3517dup, p.Val1173fs (NM_001406796.1, NM_001406800.1, NM_001406808.1 and 1 more transcripts); c.3219_3220dup, p.Val1074fs (NM_001406797.1, NM_001406801.1, NM_001406805.1 and 10 more transcripts); and 9 more; short protein forms V100fs, V1043fs, V1074fs, V1115fs, V1117fs, V1147fs, V1173fs, V1175fs.
Identifiers: ClinVar variation 2673620 (VCV002673620.2), dbSNP rs398123232, ClinGen allele CA2695200565.

ClinVar aggregate classification (germline): Pathogenic. Review status: criteria provided, multiple submitters, no conflicts (2 of 4 stars). 2 submissions from 2 submitters: Pathogenic (2). Last evaluated 2025-05-01.

Conditions:
Hereditary cancer-predisposing syndrome. Also called: Tumor predisposition; Hereditary neoplastic syndrome; Neoplastic Syndromes, Hereditary; Hereditary Cancer Syndrome. Identifiers: Orphanet 140162, MedGen C0027672, MeSH D009386, MONDO:0015356.
Lynch syndrome 5 (LYNCH5). Also called: Colorectal cancer, hereditary nonpolyposis, type 5; Hereditary non-polyposis colorectal cancer, type 5. Identifiers: Orphanet 144, MedGen C1833477, MONDO:0013710, OMIM 614350. Disease mechanism: loss of function.

Submissions (2):

Ambry Genetics
Classification: Pathogenic for Hereditary cancer-predisposing syndrome. Last evaluated: 2025-05-01. Review status: criteria provided, single submitter. Criteria: Ambry Variant Classification Scheme 2023. Collection method: clinical testing. Allele origin: germline.
Comment: The c.3516_3517dupAG pathogenic mutation, located in coding exon 6 of the MSH6 gene, results from a duplication of AG at nucleotide position 3516, causing a translational frameshift with a predicted alternate stop codon (p.V1173Efs*12). This variant is considered to be rare based on population cohorts in the Genome Aggregation Database (gnomAD). This alteration is expected to result in loss of function by premature protein truncation or nonsense-mediated mRNA decay. As such, this alteration is interpreted as a disease-causing mutation.

Myriad Genetics, Inc.
Classification: Pathogenic for Lynch syndrome 5. Last evaluated: 2023-08-24. Review status: criteria provided, single submitter. Criteria: Myriad Autosomal Dominant, Autosomal Recessive and X-Linked Classification Criteria (2023). Collection method: clinical testing. Allele origin: unknown.
Comment: This variant is considered pathogenic. This variant creates a frameshift predicted to result in premature protein truncation.